The following is an entry in ClinVar:

NM_000744.7(CHRNA4):c.411C>T (p.His137=)

Gene: CHRNA4 (cholinergic receptor nicotinic alpha 4 subunit; minus strand). Cytogenetic location: 20q13.33.
Variant type: single nucleotide variant.
Coding change: c.411C>T on transcript NM_000744.7 (MANE Select); coding-DNA position 411, C replaced by T.
Protein change: p.His137=; no amino-acid change (histidine 137 retained).
Molecular consequence: synonymous variant. On other transcripts: 5 prime UTR variant (1), non-coding transcript variant (1).
Genome position (GRCh38, 1-based): chr20:63,351,000, G>A on the plus strand (C>T on the coding strand, the complement: CHRNA4 is on the minus strand). VCF-style: chr20-63351000-G-A. GRCh37 (hg19) VCF-style: chr20-61982352-G-A.
Other names: c.-118C>T (NM_001256573.2).
Identifiers: ClinVar variation 381706 (VCV000381706.9), dbSNP rs201467277, ClinGen allele CA9957803.

ClinVar aggregate classification (germline): Likely benign. Review status: criteria provided, multiple submitters, no conflicts (2 of 4 stars). 2 submissions from 2 submitters: Likely benign (2). Last evaluated 2025-11-27.

Conditions:
Familial sleep-related hypermotor epilepsy. Also called: Autosomal Dominant Sleep-Related Hypermotor (Hyperkinetic) Epilepsy. Identifiers: Orphanet 98784, MedGen C3696898, MONDO:0000030.

Allele frequency attached by ClinVar (database versions not stated): ExAC 0.00001; TOPMed 0.00002; gnomAD 0.00003.
gnomAD v4.1: 12 of 1,613,166 alleles (0.00074%); highest among the groups gnomAD compares: Admixed American, 0.0033%; no homozygotes.

Submissions (2):

Labcorp Genetics (formerly Invitae), Labcorp
Classification: Likely benign. Last evaluated: 2025-11-27. Review status: criteria provided, single submitter. Criteria: Invitae Variant Classification Sherloc (09022015). Collection method: clinical testing. Allele origin: germline.

GeneDx
Classification: Likely benign. Last evaluated: 2015-11-13. Review status: criteria provided, single submitter. Criteria: GeneDx Variant Classification (06012015). Collection method: clinical testing. Allele origin: germline. Affected: yes.
Comment: This variant is considered likely benign or benign based on one or more of the following criteria: it is a conservative change, it occurs at a poorly conserved position in the protein, it is predicted to be benign by multiple in silico algorithms, and/or has population frequency not consistent with disease.